The following is an entry in ClinVar:

NM_005045.4(RELN):c.6854G>T (p.Arg2285Leu)

Gene: RELN (reelin; minus strand). Cytogenetic location: 7q22.1.
Variant type: single nucleotide variant.
Coding change: c.6854G>T on transcript NM_005045.4 (MANE Select); coding-DNA position 6854, G replaced by T.
Protein change: p.Arg2285Leu; replaces arginine 2285 with leucine.
Molecular consequence: missense variant.
Genome position (GRCh38, 1-based): chr7:103,540,273, C>A on the plus strand (G>T on the coding strand, the complement: RELN is on the minus strand). VCF-style: chr7-103540273-C-A. GRCh37 (hg19) VCF-style: chr7-103180720-C-A.
Other names: c.6854G>T, p.Arg2285Leu (NM_173054.3); short protein forms R2285L.
Identifiers: ClinVar variation 448165 (VCV000448165.11), dbSNP rs116394157, ClinGen allele CA4420869.
Genomic context (GRCh38, chr7:103,540,273, plus strand): 5'-GGGCTGTAGAAGTGCCCATTCTCAGACGGTTGCCACCAGCGAAGGCGAGTAGAACCAGAA[C>A]GGGCTTTCAAGGGTATCTCCAGGGCAATGTACCTGCCCACATTGCTGGAATTGCTGAAAA-3'
Protein context (NP_005036.2, residues 2275-2295): YIALEIPLKA[Arg2285Leu]SGSTRLRWWQ

ClinVar aggregate classification (germline): Uncertain significance. Review status: criteria provided, multiple submitters, no conflicts (2 of 4 stars). 2 submissions from 2 submitters: Uncertain significance (2). Last evaluated 2025-02-04.

Conditions:
Norman-Roberts syndrome (LIS2). Also called: Lissencephaly 2 (Norman-Roberts type). Identifiers: Orphanet 89844, MedGen C0796089, MONDO:0009760, OMIM 257320.
Familial temporal lobe epilepsy 7. Identifiers: Orphanet 101046, MedGen C4225327, MONDO:0014639, OMIM 616436.

Allele frequency attached by ClinVar (database versions not stated): TOPMed 0.00007; gnomAD 0.00013; ESP Exome Variant Server 0.00015.
gnomAD v4.1: 155 of 1,614,060 alleles (0.0096%); highest among the groups gnomAD compares: Non-Finnish European, 0.013%; no homozygotes.

Submissions (2):

Labcorp Genetics (formerly Invitae), Labcorp
Classification: Uncertain significance for Familial temporal lobe epilepsy 7; Norman-Roberts syndrome. Last evaluated: 2025-02-04. Review status: criteria provided, single submitter. Criteria: Invitae Variant Classification Sherloc (09022015). Collection method: clinical testing. Allele origin: germline.
Comment: This sequence change replaces arginine, which is basic and polar, with leucine, which is neutral and non-polar, at codon 2285 of the RELN protein (p.Arg2285Leu). This variant is present in population databases (rs116394157, gnomAD 0.006%). This variant has not been reported in the literature in individuals affected with RELN-related conditions. ClinVar contains an entry for this variant (Variation ID: 448165). Invitae Evidence Modeling of protein sequence and biophysical properties (such as structural, functional, and spatial information, amino acid conservation, physicochemical variation, residue mobility, and thermodynamic stability) indicates that this missense variant is not expected to disrupt RELN protein function with a negative predictive value of 80%. In summary, the available evidence is currently insufficient to determine the role of this variant in disease. Therefore, it has been classified as a Variant of Uncertain Significance.

Athena Diagnostics
Classification: Uncertain significance. Last evaluated: 2017-05-08. Review status: criteria provided, single submitter. Criteria: Athena Diagnostics Criteria. Collection method: clinical testing. Allele origin: germline.